The following is an entry in ClinVar:

ClinVar aggregate classification (germline): Uncertain significance (1 of 4 stars; one submission).

Conditions:
PCGF2-related disorder. Also called: PCGF2-related condition.

gnomAD v4.1: 24 of 1,578,828 alleles (0.0015%); highest among the groups gnomAD compares: East Asian, 0.0023%; no homozygotes.

Submission:

PreventionGenetics, part of Exact Sciences
Classification: Uncertain significance for PCGF2-related condition. Last evaluated: 2025-07-11. Review status: criteria provided, single submitter. Criteria: ACMG Guidelines, 2015. Collection method: clinical testing. Allele origin: germline.
Comment: The PCGF2 c.683G>A variant is predicted to result in the amino acid substitution p.Arg228His. To our knowledge, this variant has not been reported in the literature. This variant is reported in 0.0059% of alleles in individuals of European (Finnish) descent in gnomAD. At this time, the clinical significance of this variant is uncertain due to the absence of conclusive functional and genetic evidence.

NM_007144.3(PCGF2):c.683G>A (p.Arg228His)

Genes: CISD3 (CDGSH iron sulfur domain 3; plus strand), PCGF2 (polycomb group ring finger 2; minus strand). Cytogenetic location: 17q12.
Variant type: single nucleotide variant.
Coding change: c.683G>A on transcript NM_007144.3 (MANE Select); coding-DNA position 683, G replaced by A.
Protein change: p.Arg228His; replaces arginine 228 with histidine.
Molecular consequence: missense variant. On other transcripts: 3 prime UTR variant (1).
Genome position (GRCh38, 1-based): chr17:38,735,575, C>T on the plus strand (G>A on the coding strand, the complement: PCGF2 is on the minus strand). VCF-style: chr17-38735575-C-T. GRCh37 (hg19) VCF-style: chr17-36891828-C-T.
Other names: c.*2120C>T (NM_001136498.2); c.683G>A, p.Arg228His (NM_001369614.1, NM_001369615.1); short protein forms R228H.
Identifiers: ClinVar variation 4985747 (VCV004985747.1).